The following is an entry in ClinVar:

ClinVar aggregate classification (germline): Uncertain significance (1 of 4 stars; one submission).

Allele frequency attached by ClinVar (database versions not stated): gnomAD exomes below 0.00001.
gnomAD v4.1: 1 of 1,606,678 alleles (0.000062%); highest among the groups gnomAD compares: Non-Finnish European, 0.000085%; no homozygotes.

Submission:

Labcorp Genetics (formerly Invitae), Labcorp
Classification: Uncertain significance. Last evaluated: 2023-04-09. Review status: criteria provided, single submitter. Criteria: Invitae Variant Classification Sherloc (09022015). Collection method: clinical testing. Allele origin: germline.
Comment: In summary, the available evidence is currently insufficient to determine the role of this variant in disease. Therefore, it has been classified as a Variant of Uncertain Significance. Advanced modeling of protein sequence and biophysical properties (such as structural, functional, and spatial information, amino acid conservation, physicochemical variation, residue mobility, and thermodynamic stability) performed at Invitae indicates that this missense variant is not expected to disrupt KAT6A protein function. This variant has not been reported in the literature in individuals affected with KAT6A-related conditions. This variant is not present in population databases (gnomAD no frequency). This sequence change replaces aspartic acid, which is acidic and polar, with asparagine, which is neutral and polar, at codon 825 of the KAT6A protein (p.Asp825Asn).

NM_006766.5(KAT6A):c.2473G>A (p.Asp825Asn)

Gene: KAT6A (lysine acetyltransferase 6A; minus strand). Cytogenetic location: 8p11.21.
Variant type: single nucleotide variant.
Coding change: c.2473G>A on transcript NM_006766.5 (MANE Select); coding-DNA position 2473, G replaced by A.
Protein change: p.Asp825Asn; replaces aspartic acid 825 with asparagine.
Molecular consequence: missense variant.
Genome position (GRCh38, 1-based): chr8:41,941,408, C>T on the plus strand (G>A on the coding strand, the complement: KAT6A is on the minus strand). VCF-style: chr8-41941408-C-T. GRCh37 (hg19) VCF-style: chr8-41798926-C-T.
Other names: short protein forms D825N.
Identifiers: ClinVar variation 2854381 (VCV002854381.3), dbSNP rs2486772190, ClinGen allele CA371072347.
Genomic context (GRCh38, chr8:41,941,408, plus strand): 5'-GTGTAGAACTGACTGGAGCCATAACTTCTGGTTTCTTTTCACTTTCTACTGAATAAGAAT[C>T]TTGTTCTTTGTTCTCATGAGACACAGACTTTCCCACCTGATTTTAGAAAATAAAACAATG-3'
Protein context (NP_006757.2, residues 815-835): KSVSHENKEQ[Asp825Asn]SYSVESEKKP